The following is an entry in ClinVar:

ClinVar aggregate classification (germline): Uncertain significance (1 of 4 stars; one submission).

Conditions:
Fabry disease. Also called: CERAMIDE TRIHEXOSIDASE DEFICIENCY; GLA DEFICIENCY; HEREDITARY DYSTOPIC LIPIDOSIS; Fabry's disease; ALPHA-GALACTOSIDASE A DEFICIENCY; ANDERSON-FABRY DISEASE. Identifiers: Orphanet 324, MedGen C0002986, MONDO:0010526, OMIM 301500, HP:0001071. Disease mechanism: Fabry disease is due to inactivating mutations in the X-linked GLA gene resulting in deficiency of the enzyme Alpha Galactosidase-A., loss of function.

Allele frequency attached by ClinVar (database versions not stated): gnomAD 0.00001; TOPMed 0.00001.

Submission:

Labcorp Genetics (formerly Invitae), Labcorp
Classification: Uncertain significance for Fabry disease. Last evaluated: 2022-08-20. Review status: criteria provided, single submitter. Criteria: Invitae Variant Classification Sherloc (09022015). Collection method: clinical testing. Allele origin: germline.
Comment: In summary, the available evidence is currently insufficient to determine the role of this variant in disease. Therefore, it has been classified as a Variant of Uncertain Significance. Algorithms developed to predict the effect of missense changes on protein structure and function (SIFT, PolyPhen-2, Align-GVGD) all suggest that this variant is likely to be tolerated. This variant has not been reported in the literature in individuals affected with GLA-related conditions. This variant is not present in population databases (gnomAD no frequency). This sequence change replaces glycine, which is neutral and non-polar, with alanine, which is neutral and non-polar, at codon 346 of the GLA protein (p.Gly346Ala).

NM_000169.3(GLA):c.1037G>C (p.Gly346Ala)

Genes: GLA (galactosidase alpha; minus strand), RPL36A-HNRNPH2 (RPL36A-HNRNPH2 readthrough; plus strand). Cytogenetic location: Xq22.1.
Variant type: single nucleotide variant.
Coding change: c.1037G>C on transcript NM_000169.3 (MANE Select); coding-DNA position 1037, G replaced by C.
Protein change: p.Gly346Ala; replaces glycine 346 with alanine.
Molecular consequence: missense variant. On other transcripts: non-coding transcript variant (3), intron variant (2).
Genome position (GRCh38, 1-based): chrX:101,398,062, C>G on the plus strand (G>C on the coding strand, the complement: GLA is on the minus strand). VCF-style: chrX-101398062-C-G. GRCh37 (hg19) VCF-style: chrX-100653050-C-G.
Other names: c.300+2605C>G (NM_001199973.2); c.177+6240C>G (NM_001199974.2); c.1160G>C, p.Gly387Ala (NM_001406747.1); short protein forms G346A, G387A.
Identifiers: ClinVar variation 1717130 (VCV001717130.6), dbSNP rs1928138185, ClinGen allele CA413921159.
Genomic context (GRCh38, chrX:101,398,062, plus strand): 5'-GTATAAGAGCGAGGTCCACCAATCTCCTGCCGGTTTATCATAGCTACAGCCCAGGCTAAG[C>G]CTGAGAGAGGTCGTTCCCACACTTCAAAGTTGTCTCCCTGAAAAACCAAGAAAGTGTGGT-3'
Protein context (NP_000160.1, residues 336-356): NFEVWERPLS[Gly346Ala]LAWAVAMINR